The following is an entry in ClinVar:

ClinVar aggregate classification (germline): Conflicting classifications of pathogenicity. Review status: criteria provided, conflicting classifications (1 of 4 stars). 2 submissions from 2 submitters: Uncertain significance (1); Likely benign (1). Last evaluated 2018-01-13.

Conditions:
Glycogen storage disease, type I. Identifiers: Orphanet 364, MedGen C0017920, MONDO:0002413.

Allele frequency attached by ClinVar (database versions not stated): gnomAD 0.00004 and 0.00013; TOPMed 0.00004; 1000 Genomes Project 30x 0.00062; gnomAD exomes 0.00063; 1000 Genomes Project 0.00080.

Submissions (2):

Illumina Laboratory Services, Illumina
Classification: Uncertain significance for Glycogen storage disease, type I. Last evaluated: 2018-01-13. Review status: criteria provided, single submitter. Criteria: ICSL Variant Classification Criteria 13 December 2019. Collection method: clinical testing. Allele origin: germline.

GeneDx
Classification: Likely benign. Last evaluated: 2017-01-01. Review status: criteria provided, single submitter. Criteria: GeneDx Variant Classification (06012015). Collection method: clinical testing. Allele origin: germline. Affected: yes.
Comment: This variant is considered likely benign or benign based on one or more of the following criteria: it is a conservative change, it occurs at a poorly conserved position in the protein, it is predicted to be benign by multiple in silico algorithms, and/or has population frequency not consistent with disease.

NM_001164277.2(SLC37A4):c.-183C>T

Gene: SLC37A4 (solute carrier family 37 member 4; minus strand). Cytogenetic location: 11q23.3.
Variant type: single nucleotide variant.
Coding change: c.-183C>T on transcript NM_001164277.2 (MANE Select); 183 bases upstream of the start codon, C replaced by T.
Molecular consequence: 5 prime UTR variant.
Genome position (GRCh38, 1-based): chr11:119,029,552, G>A on the plus strand (C>T on the coding strand, the complement: SLC37A4 is on the minus strand). VCF-style: chr11-119029552-G-A. GRCh37 (hg19) VCF-style: chr11-118900262-G-A.
Other names: c.-183C>T (NM_001164278.2, NM_001467.6); c.-332C>T (NM_001164279.2).
Identifiers: ClinVar variation 392126 (VCV000392126.5), dbSNP rs145369754, ClinGen allele CA16605862.